The following continues an entry in ClinVar:

NM_000540.3(RYR1):c.13513G>C (p.Asp4505His)

Gene: RYR1. ClinVar aggregate classification (germline): Benign. Benign (1).

Submissions 13 to 24 of 24:

GeneDx
Classification: Likely benign. Last evaluated: 2020-09-14. Review status: criteria provided, single submitter. Criteria: GeneDx Variant Classification Process June 2021. Collection method: clinical testing. Allele origin: germline. Affected: yes. Not counted in ClinVar's aggregate classification.
Comment: This variant is associated with the following publications: (PMID: 18813041, 23476141, 27147545, 23394784, 22473935, 24195946, 23329375, 25735680, 21918424, 27153395, 26332594, 27058611, 27663056, 28326467, 26019235, 30842289, 32381029)

Genetic Services Laboratory, University of Chicago
Classification: Likely benign. Last evaluated: 2020-07-07. Review status: criteria provided, single submitter. Criteria: ACMG Guidelines, 2015. Collection method: clinical testing. Allele origin: germline. Affected: no. Not counted in ClinVar's aggregate classification.

Eurofins Ntd Llc (ga)
Classification: Uncertain significance. Last evaluated: 2016-07-22. Review status: criteria provided, single submitter. Criteria: EGL Classification Definitions. Collection method: clinical testing. Allele origin: germline. Observed: 13 variant alleles, 13 heterozygotes. Not counted in ClinVar's aggregate classification.

CSER _CC_NCGL, University of Washington
Classification: Likely benign for Malignant Hyperthermia. Last evaluated: 2015-03-11. Review status: criteria provided, single submitter. Criteria: Amendola et al. (Genome Res. 2015). Collection method: research. Allele origin: germline. Inheritance: Autosomal dominant inheritance. Study: CSER - NEXT Medicine variant annotation. Not counted in ClinVar's aggregate classification.

Centre for Mendelian Genomics, University Medical Centre Ljubljana
Classification: Uncertain significance for Congenital hip dislocation; Muscular dystrophy; EMG: myopathic abnormalities; Generalized muscle weakness. Last evaluated: 2014-11-14. Review status: criteria provided, single submitter. Criteria: ACMG Guidelines, 2015. Collection method: clinical testing. Allele origin: unknown. Affected: yes. Not counted in ClinVar's aggregate classification.

Biesecker Lab/Clinical Genomics Section, National Institutes of Health
Classification: Benign for Malignant hyperthermia, susceptibility to, 1. Last evaluated: 2013-07-01. Review status: criteria provided, single submitter. Criteria: Gonsalves et al. 2013. Collection method: research. Allele origin: unknown. Observed: 4 variant alleles. Study: ClinSeq. Not counted in ClinVar's aggregate classification.
Comment: The study set was not selected for affection status in relation to any myopathy. Pathogenicity categories were based on literature curation. See Pubmed ID: 24195946 for details.

PreventionGenetics, part of Exact Sciences
Classification: Likely benign for RYR1-related condition. Last evaluated: 2021-07-16. Review status: no assertion criteria provided. Collection method: clinical testing. Allele origin: germline. Not counted in ClinVar's aggregate classification.
Comment: This variant is classified as likely benign based on ACMG/AMP sequence variant interpretation guidelines (Richards et al. 2015 PMID: 25741868, with internal and published modifications).

CSER _CC_NCGL, University of Washington
Classification: Likely benign for Myopathy, progressive axial with cataracts. Last evaluated: 2014-06-01. Review status: no assertion criteria provided. Collection method: research. Allele origin: germline. Inheritance: Autosomal dominant inheritance. Study: ESP 6500 variant annotation. Not counted in ClinVar's aggregate classification.
Comment: Variants classified for the Actionable exomic incidental findings in 6503 participants: challenges of variant classification manuscript

Clinical Genetics DNA and cytogenetics Diagnostics Lab, Erasmus MC, Erasmus Medical Center
Classification: Likely benign. Review status: no assertion criteria provided. Collection method: clinical testing. Allele origin: germline. Affected: yes. Study: VKGL Data-share Consensus. Not counted in ClinVar's aggregate classification.

Genome Diagnostics Laboratory, University Medical Center Utrecht
Classification: Likely benign. Review status: no assertion criteria provided. Collection method: clinical testing. Allele origin: germline. Affected: yes. Study: VKGL Data-share Consensus. Not counted in ClinVar's aggregate classification.

Joint Genome Diagnostic Labs from Nijmegen and Maastricht, Radboudumc and MUMC+
Classification: Likely benign. Review status: no assertion criteria provided. Collection method: clinical testing. Allele origin: germline. Affected: yes. Study: VKGL Data-share Consensus. Not counted in ClinVar's aggregate classification.

Laboratory of Diagnostic Genome Analysis, Leiden University Medical Center (LUMC)
Classification: Likely benign. Review status: no assertion criteria provided. Collection method: clinical testing. Allele origin: germline. Affected: yes. Study: VKGL Data-share Consensus. Not counted in ClinVar's aggregate classification.

Literature cited by the submitters: PubMed 24055113 (cited by Women's Health and Genetics/Laboratory Corporation of America, LabCorp and Athena Diagnostics); PubMed 26332594 (cited by Women's Health and Genetics/Laboratory Corporation of America, LabCorp and Athena Diagnostics); PubMed 21918424 (cited by Women's Health and Genetics/Laboratory Corporation of America, LabCorp and Athena Diagnostics); PubMed 23329375 (cited by Women's Health and Genetics/Laboratory Corporation of America, LabCorp and Athena Diagnostics); PubMed 18813041 (cited by Women's Health and Genetics/Laboratory Corporation of America, LabCorp and Athena Diagnostics); PubMed 27058611 (cited by Women's Health and Genetics/Laboratory Corporation of America, LabCorp and Athena Diagnostics); PubMed 22851008 (cited by Women's Health and Genetics/Laboratory Corporation of America, LabCorp); PubMed 24433488 (cited by Women's Health and Genetics/Laboratory Corporation of America, LabCorp and Athena Diagnostics); PubMed 22473935 (cited by Women's Health and Genetics/Laboratory Corporation of America, LabCorp and Athena Diagnostics); PubMed 23394784 (cited by Women's Health and Genetics/Laboratory Corporation of America, LabCorp and Athena Diagnostics); PubMed 25735680 (cited by Women's Health and Genetics/Laboratory Corporation of America, LabCorp and Athena Diagnostics); PubMed 24195946 (cited by Women's Health and Genetics/Laboratory Corporation of America, LabCorp and Athena Diagnostics); PubMed 33767344 (cited by Women's Health and Genetics/Laboratory Corporation of America, LabCorp); PubMed 35599849 (cited by Women's Health and Genetics/Laboratory Corporation of America, LabCorp); PubMed 35428369 (cited by Women's Health and Genetics/Laboratory Corporation of America, LabCorp); PubMed 30842289 (cited by Women's Health and Genetics/Laboratory Corporation of America, LabCorp and Athena Diagnostics); PubMed 25637381 (cited by Athena Diagnostics); PubMed 27147545 (cited by Athena Diagnostics); PubMed 21878807 (cited by Athena Diagnostics); PubMed 30406384 (cited by Athena Diagnostics); PubMed 33646171 (cited by Athena Diagnostics); PubMed 27153395 (cited by Athena Diagnostics); PubMed 30155738 (cited by Athena Diagnostics); PubMed 30236257 (cited by Athena Diagnostics).